The following is an entry in ClinVar:

ClinVar aggregate classification (germline): Uncertain significance. Review status: criteria provided, multiple submitters, no conflicts (2 of 4 stars). 3 submissions from 3 submitters: Uncertain significance (3). Last evaluated 2025-04-05.

Conditions:
Hereditary cancer-predisposing syndrome. Also called: Hereditary neoplastic syndrome; Neoplastic Syndromes, Hereditary; Hereditary Cancer Syndrome; Tumor predisposition. Identifiers: Orphanet 140162, MedGen C0027672, MeSH D009386, MONDO:0015356.
Cardiovascular phenotype. Identifiers: MedGen CN230736.
LZTR1-related schwannomatosis. Also called: Schwannomatosis 2; Schwannomatosis-2, susceptibility to. Identifiers: Orphanet 93921, MedGen C3810283, MONDO:0014299, OMIM 615670.

Allele frequency attached by ClinVar (database versions not stated): gnomAD exomes below 0.00001.
gnomAD v4.1: 1 of 1,589,986 alleles (0.000063%); highest among the groups gnomAD compares: South Asian, 0.0011%; no homozygotes.

Submissions (3):

Ambry Genetics
Classification: Uncertain significance for Cardiovascular phenotype; Hereditary cancer-predisposing syndrome. Last evaluated: 2025-04-05. Review status: criteria provided, single submitter. Criteria: Ambry Variant Classification Scheme 2023. Collection method: clinical testing. Allele origin: germline.
Comment: The p.S386G variant (also known as c.1156A>G), located in coding exon 11 of the LZTR1 gene, results from an A to G substitution at nucleotide position 1156. The serine at codon 386 is replaced by glycine, an amino acid with similar properties. This amino acid position is conserved. In addition, this alteration is predicted to be tolerated by in silico analysis. Based on the available evidence, the clinical significance of this variant remains unclear.

Baylor Genetics
Classification: Uncertain significance for LZTR1-related schwannomatosis. Last evaluated: 2024-01-11. Review status: criteria provided, single submitter. Criteria: ACMG Guidelines, 2015. Collection method: clinical testing. Allele origin: unknown.

Labcorp Genetics (formerly Invitae), Labcorp
Classification: Uncertain significance. Last evaluated: 2022-09-13. Review status: criteria provided, single submitter. Criteria: Invitae Variant Classification Sherloc (09022015). Collection method: clinical testing. Allele origin: germline.
Comment: In summary, the available evidence is currently insufficient to determine the role of this variant in disease. Therefore, it has been classified as a Variant of Uncertain Significance. Advanced modeling of protein sequence and biophysical properties (such as structural, functional, and spatial information, amino acid conservation, physicochemical variation, residue mobility, and thermodynamic stability) performed at Invitae indicates that this missense variant is not expected to disrupt LZTR1 protein function. This variant has not been reported in the literature in individuals affected with LZTR1-related conditions. This variant is not present in population databases (gnomAD no frequency). This sequence change replaces serine, which is neutral and polar, with glycine, which is neutral and non-polar, at codon 386 of the LZTR1 protein (p.Ser386Gly).

NM_006767.4(LZTR1):c.1156A>G (p.Ser386Gly)

Gene: LZTR1 (leucine zipper like post translational regulator 1; plus strand). Cytogenetic location: 22q11.21.
Variant type: single nucleotide variant.
Coding change: c.1156A>G on transcript NM_006767.4 (MANE Select); coding-DNA position 1156, A replaced by G.
Protein change: p.Ser386Gly; replaces serine 386 with glycine.
Molecular consequence: missense variant.
Genome position (GRCh38, 1-based): chr22:20,992,800, A>G. VCF-style: chr22-20992800-A-G. GRCh37 (hg19) VCF-style: chr22-21347089-A-G.
Other names: c.1156A>G (NM_006767.3); short protein forms S386G.
Identifiers: ClinVar variation 1718733 (VCV001718733.7), dbSNP rs1924652244, ClinGen allele CA410773630.
Genomic context (GRCh38, chr22:20,992,800, plus strand): 5'-GCACTGTGGAGGCTCTGCTCCCCCACCATTCCACCCTGCCTTCTTGTCCCCCAGCTGCCC[A>G]GTGGGAGGCTCTTCCACGCGGCTGCTGTCATCTCGGACGCCATGTACATCTTCGGGGGCA-3'
Protein context (NP_006758.2, residues 376-396): QPTQPASELP[Ser386Gly]GRLFHAAAVI